The following is an entry in ClinVar:

ClinVar aggregate classification (germline): Likely benign. Review status: criteria provided, single submitter (1 of 4 stars). 2 submissions from 2 submitters: Likely benign (1). 1 of the submissions does not count toward it. Last evaluated 2022-10-26.

Conditions:
Pheochromocytoma. Also called: MAX-Related Hereditary Paraganglioma-Pheochromocytoma Syndrome. Identifiers: Orphanet 29072, MedGen C0031511, MONDO:0008233, OMIM 171300, HP:0002666.
Pheochromocytoma/paraganglioma syndrome 4. Also called: CAROTID BODY TUMORS AND MULTIPLE EXTRAADRENAL PHEOCHROMOCYTOMAS; PARAGANGLIOMA, FAMILIAL MALIGNANT; PARAGANGLIOMAS, HEREDITARY EXTRAADRENAL; PHEOCHROMOCYTOMA, FAMILIAL EXTRAADRENAL; Paragangliomas 4; SDHB-Related Hereditary Paraganglioma-Pheochromocytoma Syndrome (Paragangliomas 4). Identifiers: Orphanet 29072, MedGen C1861848, MONDO:0007273, OMIM 115310.
Gastrointestinal stromal tumor. Also called: Gastrointestinal stroma tumor; Gastrointestinal stromal tumor, somatic. Identifiers: Orphanet 44890, MedGen C0238198, MeSH D046152, MONDO:0011719, OMIM 606764, HP:0100723.
SDHB-related disorder. Also called: SDHB-related condition; SDHB-related disorders. Identifiers: MedGen CN239418.

Submissions (2):

Labcorp Genetics (formerly Invitae), Labcorp
Classification: Likely benign for Gastrointestinal stromal tumor; Pheochromocytoma/paraganglioma syndrome 4; Pheochromocytoma. Last evaluated: 2022-10-26. Review status: criteria provided, single submitter. Criteria: Invitae Variant Classification Sherloc (09022015). Collection method: clinical testing. Allele origin: germline.

PreventionGenetics, part of Exact Sciences
Classification: Likely benign for SDHB-related condition. Last evaluated: 2021-12-23. Review status: no assertion criteria provided. Collection method: clinical testing. Allele origin: germline. Not counted in ClinVar's aggregate classification.
Comment: This variant is classified as likely benign based on ACMG/AMP sequence variant interpretation guidelines (Richards et al. 2015 PMID: 25741868, with internal and published modifications).

NM_003000.3(SDHB):c.180T>A (p.Thr60=)

Gene: SDHB (succinate dehydrogenase complex iron sulfur subunit B; minus strand). Cytogenetic location: 1p36.13.
Variant type: single nucleotide variant.
Coding change: c.180T>A on transcript NM_003000.3 (MANE Select); coding-DNA position 180, T replaced by A.
Protein change: p.Thr60=; no amino-acid change (threonine 60 retained).
Molecular consequence: synonymous variant.
Genome position (GRCh38, 1-based): chr1:17,044,781, A>T on the plus strand (T>A on the coding strand, the complement: SDHB is on the minus strand). VCF-style: chr1-17044781-A-T. GRCh37 (hg19) VCF-style: chr1-17371276-A-T.
Other names: c.180T>A (NM_003000.2).
Identifiers: ClinVar variation 1157005 (VCV001157005.9), dbSNP rs2101541350, ClinGen allele CA416046732.